The following is an entry in ClinVar:

NM_005475.3(SH2B3):c.1243C>T (p.Arg415Cys)

Gene: SH2B3 (SH2B adaptor protein 3; plus strand). Cytogenetic location: 12q24.12.
Variant type: single nucleotide variant.
Coding change: c.1243C>T on transcript NM_005475.3 (MANE Select); coding-DNA position 1243, C replaced by T.
Protein change: p.Arg415Cys; replaces arginine 415 with cysteine.
Molecular consequence: missense variant.
Genome position (GRCh38, 1-based): chr12:111,447,662, C>T. VCF-style: chr12-111447662-C-T. GRCh37 (hg19) VCF-style: chr12-111885466-C-T.
Other names: c.637C>T, p.Arg213Cys (NM_001291424.1); short protein forms R213C, R415C.
Identifiers: ClinVar variation 5038844 (VCV005038844.1).

ClinVar aggregate classification (germline): Uncertain significance (1 of 4 stars; one submission).

Submission:

CeGaT Center for Human Genetics Tuebingen
Classification: Uncertain significance. Last evaluated: 2026-08-01. Review status: criteria provided, single submitter. Criteria: CeGaT Center For Human Genetics Tuebingen Variant Classification Criteria Version 2. Collection method: clinical testing. Allele origin: germline. Affected: yes. Observed: 1 variant allele.
Comment: SH2B3: PM5:Supporting, PP3, PS4:Supporting